The following is an entry in ClinVar:

ClinVar aggregate classification (germline): Benign/Likely benign. Review status: criteria provided, multiple submitters, no conflicts (2 of 4 stars). 11 submissions from 10 submitters: Benign (8); Likely benign (1). 2 of the submissions do not count toward it. Last evaluated 2026-01-31.

Conditions:
Adams-Oliver syndrome 5 (AOS5). Identifiers: Orphanet 974, MedGen C4014970, MONDO:0014459, OMIM 616028.
Aortic valve disease 1 (AOVD1). Identifiers: MedGen C3887892, MONDO:0024523, OMIM 109730.
Familial thoracic aortic aneurysm and aortic dissection (TAAD). Also called: Thoracic aortic aneurysms and dissections. Identifiers: Orphanet 91387, MedGen C4707243, MONDO:0019625.

Allele frequency attached by ClinVar (database versions not stated): ExAC 0.00150; ESP Exome Variant Server 0.00451; TOPMed 0.00495; 1000 Genomes Project 0.00499; gnomAD 0.00503; 1000 Genomes Project 30x 0.00515.
gnomAD v4.1: 1,336 of 1,606,818 alleles (0.083%); highest among the groups gnomAD compares: African/African-American, 1.6%; 7 homozygotes.

Submissions (11):

Labcorp Genetics (formerly Invitae), Labcorp
Classification: Benign for Adams-Oliver syndrome 5. Last evaluated: 2026-01-31. Review status: criteria provided, single submitter. Criteria: Invitae Variant Classification Sherloc (09022015). Collection method: clinical testing. Allele origin: germline.

Mayo Clinic Laboratories, Mayo Clinic
Classification: Benign. Last evaluated: 2024-10-09. Review status: criteria provided, single submitter. Criteria: ACMG Guidelines, 2015. Collection method: clinical testing. Allele origin: germline. Observed: 3 variant alleles.
Comment: BS1, BS2, BP4, BP7

Blueprint Genetics
Classification: Likely benign. Last evaluated: 2024-10-08. Review status: criteria provided, single submitter. Criteria: ACMG Guidelines, 2015. Collection method: clinical testing. Allele origin: germline.

Women's Health and Genetics/Laboratory Corporation of America, LabCorp
Classification: Benign. Last evaluated: 2023-07-21. Review status: criteria provided, single submitter. Criteria: LabCorp Variant Classification Summary - May 2015. Collection method: clinical testing. Allele origin: germline.

Genome-Nilou Lab
Classification: Benign for Adams-Oliver syndrome 5. Last evaluated: 2022-03-15. Review status: criteria provided, single submitter. Criteria: ACMG Guidelines, 2015. Collection method: clinical testing. Allele origin: germline. Affected: no.

Genome-Nilou Lab
Classification: Benign for Aortic valve disease 1. Last evaluated: 2022-03-15. Review status: criteria provided, single submitter. Criteria: ACMG Guidelines, 2015. Collection method: clinical testing. Allele origin: germline. Affected: no.

GeneDx
Classification: Benign. Last evaluated: 2016-12-06. Review status: criteria provided, single submitter. Criteria: GeneDx Variant Classification (06012015). Collection method: clinical testing. Allele origin: germline. Affected: yes.
Comment: This variant is considered likely benign or benign based on one or more of the following criteria: it is a conservative change, it occurs at a poorly conserved position in the protein, it is predicted to be benign by multiple in silico algorithms, and/or has population frequency not consistent with disease.

CHEO Genetics Diagnostic Laboratory, Children's Hospital of Eastern Ontario
Classification: Benign for Familial thoracic aortic aneurysm and aortic dissection. Last evaluated: 2016-11-08. Review status: criteria provided, single submitter. Criteria: ACMG Guidelines, 2015. Collection method: clinical testing. Allele origin: germline. Study: Canadian Open Genetics Repository.

Ambry Genetics
Classification: Benign for Familial thoracic aortic aneurysm and aortic dissection. Last evaluated: 2016-02-05. Review status: criteria provided, single submitter. Criteria: Ambry Variant Classification Scheme 2023. Collection method: clinical testing. Allele origin: germline.

Clinical Genetics DNA and cytogenetics Diagnostics Lab, Erasmus MC, Erasmus Medical Center
Classification: Benign. Review status: no assertion criteria provided. Collection method: clinical testing. Allele origin: germline. Affected: yes. Study: VKGL Data-share Consensus. Not counted in ClinVar's aggregate classification.

Genome Diagnostics Laboratory, Amsterdam University Medical Center
Classification: Benign. Review status: no assertion criteria provided. Collection method: clinical testing. Allele origin: germline. Affected: yes. Study: VKGL Data-share Consensus. Not counted in ClinVar's aggregate classification.

Literature cited by the submitters: PubMed 24943832 (cited by Women's Health and Genetics/Laboratory Corporation of America, LabCorp); PubMed 16614245 (cited by Women's Health and Genetics/Laboratory Corporation of America, LabCorp); PubMed 21670202 (cited by Women's Health and Genetics/Laboratory Corporation of America, LabCorp); PubMed 22210878 (cited by Women's Health and Genetics/Laboratory Corporation of America, LabCorp); PubMed 19635999 (cited by Women's Health and Genetics/Laboratory Corporation of America, LabCorp); PubMed 26837699 (cited by Women's Health and Genetics/Laboratory Corporation of America, LabCorp); PubMed 23086750 (cited by Women's Health and Genetics/Laboratory Corporation of America, LabCorp); PubMed 19245433 (cited by Women's Health and Genetics/Laboratory Corporation of America, LabCorp); PubMed 22077063 (cited by Women's Health and Genetics/Laboratory Corporation of America, LabCorp); PubMed 15472075 (cited by Women's Health and Genetics/Laboratory Corporation of America, LabCorp); PubMed 23734977 (cited by Women's Health and Genetics/Laboratory Corporation of America, LabCorp); PubMed 22858860 (cited by Women's Health and Genetics/Laboratory Corporation of America, LabCorp).

NM_017617.5(NOTCH1):c.7209G>A (p.Gln2403=)

Gene: NOTCH1 (notch receptor 1; minus strand). Cytogenetic location: 9q34.3.
Variant type: single nucleotide variant.
Coding change: c.7209G>A on transcript NM_017617.5 (MANE Select); coding-DNA position 7209, G replaced by A.
Protein change: p.Gln2403=; no amino-acid change (glutamine 2403 retained).
Molecular consequence: synonymous variant.
Genome position (GRCh38, 1-based): chr9:136,496,530, C>T on the plus strand (G>A on the coding strand, the complement: NOTCH1 is on the minus strand). VCF-style: chr9-136496530-C-T. GRCh37 (hg19) VCF-style: chr9-139390982-C-T.
Other names: p.Gln2403=; c.7209G>A, p.Gln2403= (LRG_1122t1); c.7209G>A (NM_017617.4).
Identifiers: ClinVar variation 241164 (VCV000241164.24), dbSNP rs61751486, ClinGen allele CA5339731.